The following is an entry in ClinVar:

ClinVar aggregate classification (germline): Uncertain significance (1 of 4 stars; one submission).

Conditions:
Hereditary cancer-predisposing syndrome. Also called: Hereditary neoplastic syndrome; Neoplastic Syndromes, Hereditary; Tumor predisposition; Hereditary Cancer Syndrome. Identifiers: Orphanet 140162, MedGen C0027672, MeSH D009386, MONDO:0015356.

Submission:

Ambry Genetics
Classification: Uncertain significance for Hereditary cancer-predisposing syndrome. Last evaluated: 2025-08-27. Review status: criteria provided, single submitter. Criteria: Ambry Variant Classification Scheme 2023. Collection method: clinical testing. Allele origin: germline.
Comment: The p.E330V variant (also known as c.989A>T), located in coding exon 11 of the MUTYH gene, results from an A to T substitution at nucleotide position 989. The glutamic acid at codon 330 is replaced by valine, an amino acid with dissimilar properties. This amino acid position is conserved. In addition, the in silico prediction for this alteration is inconclusive. Based on the available evidence, the clinical significance of this variant remains unclear.

NM_001048174.2(MUTYH):c.905A>T (p.Glu302Val)

Gene: MUTYH (mutY DNA glycosylase; minus strand). Cytogenetic location: 1p34.1.
Variant type: single nucleotide variant.
Coding change: c.905A>T on transcript NM_001048174.2 (MANE Select); coding-DNA position 905, A replaced by T.
Protein change: p.Glu302Val; replaces glutamic acid 302 with valine.
Molecular consequence: missense variant. On other transcripts: non-coding transcript variant (7).
Genome position (GRCh38, 1-based): chr1:45,332,031, T>A on the plus strand (A>T on the coding strand, the complement: MUTYH is on the minus strand). VCF-style: chr1-45332031-T-A. GRCh37 (hg19) VCF-style: chr1-45797703-T-A.
Other names: c.560A>T, p.Glu187Val (NM_001350650.2, NM_001350651.2, NM_001407082.1); c.938A>T, p.Glu313Val (NM_001407069.1, NM_001293191.2, NM_001407077.1); c.905A>T, p.Glu302Val (NM_001407070.1, NM_001407072.1, NM_001048171.2 and 6 more transcripts); c.908A>T, p.Glu303Val (NM_001407071.1, NM_001048172.2, NM_001407078.1 and 1 more transcripts); c.989A>T, p.Glu330Val (NM_001128425.2); c.950A>T, p.Glu317Val (NM_001293190.2); c.821A>T, p.Glu274Val (NM_001407075.1); c.926A>T, p.Glu309Val (NM_001407087.1); and 5 more; short protein forms E210V, E288V, E274V, E302V, E309V, E327V, E330V, E316V.
Identifiers: ClinVar variation 4113990 (VCV004113990.1).